The following is an entry in ClinVar:

NM_004329.3(BMPR1A):c.1137T>A (p.Ala379=)

Gene: BMPR1A (bone morphogenetic protein receptor type 1A; plus strand). Cytogenetic location: 10q23.2.
Variant type: single nucleotide variant.
Coding change: c.1137T>A on transcript NM_004329.3 (MANE Select); coding-DNA position 1137, T replaced by A.
Protein change: p.Ala379=; no amino-acid change (alanine 379 retained).
Molecular consequence: synonymous variant. On other transcripts: non-coding transcript variant (3).
Genome position (GRCh38, 1-based): chr10:86,919,440, T>A. VCF-style: chr10-86919440-T-A. GRCh37 (hg19) VCF-style: chr10-88679197-T-A.
Other names: c.1212T>A, p.Ala404= (NM_001406559.1); c.1185T>A, p.Ala395= (NM_001406560.1); c.1137T>A, p.Ala379= (NM_001406561.1, NM_001406562.1, NM_001406563.1 and 19 more transcripts); c.1131T>A, p.Ala377= (NM_001406583.1); c.1053T>A, p.Ala351= (NM_001406584.1, NM_001406585.1, NM_001406586.1 and 2 more transcripts); c.795T>A, p.Ala265= (NM_001406589.1).
Identifiers: ClinVar variation 1730135 (VCV001730135.3), dbSNP rs2539623440, ClinGen allele CA470373461.
Genomic context (GRCh38, chr10:86,919,440, plus strand): 5'-TCATCGAGACCTAAAGAGCAAAAACATCCTCATCAAGAAAAATGGGAGTTGCTGCATTGC[T>A]GACCTGGGCCTTGCTGTTAAATTCAACAGGTGAGTGGTTCTTTGCCCCACTGTTTTGAAA-3'
Protein context (NP_004320.2, residues 369-389): LIKKNGSCCI[Ala379=]DLGLAVKFNS

ClinVar aggregate classification (germline): Benign/Likely benign. Review status: criteria provided, multiple submitters, no conflicts (2 of 4 stars). 2 submissions from 2 submitters: Benign (1); Likely benign (1). Last evaluated 2024-08-06.

Conditions:
Hereditary cancer-predisposing syndrome. Also called: Neoplastic Syndromes, Hereditary; Tumor predisposition; Hereditary Cancer Syndrome; Hereditary neoplastic syndrome. Identifiers: Orphanet 140162, MedGen C0027672, MeSH D009386, MONDO:0015356.
Juvenile polyposis syndrome (JPS). Identifiers: Orphanet 2929, MedGen C0345893, MONDO:0017380, OMIM 174900.

Submissions (2):

Myriad Genetics, Inc.
Classification: Benign for Juvenile polyposis syndrome. Last evaluated: 2024-08-06. Review status: criteria provided, single submitter. Criteria: Myriad Autosomal Dominant, Autosomal Recessive and X-Linked Classification Criteria (2023). Collection method: clinical testing. Allele origin: unknown.
Comment: This variant is considered benign. This variant is a silent/synonymous amino acid change and it is not expected to impact splicing.

Ambry Genetics
Classification: Likely benign for Hereditary cancer-predisposing syndrome. Last evaluated: 2020-07-12. Review status: criteria provided, single submitter. Criteria: Ambry Variant Classification Scheme 2023. Collection method: clinical testing. Allele origin: germline.